The following is an entry in ClinVar:

ClinVar aggregate classification (germline): Uncertain significance. Review status: criteria provided, multiple submitters, no conflicts (2 of 4 stars). 2 submissions from 2 submitters: Uncertain significance (2). Last evaluated 2024-07-10.

Conditions:
Classic or attenuated familial adenomatous polyposis. Identifiers: MedGen CN372698, MONDO:0021057.
Hereditary cancer-predisposing syndrome. Also called: Tumor predisposition; Hereditary Cancer Syndrome; Hereditary neoplastic syndrome; Neoplastic Syndromes, Hereditary. Identifiers: Orphanet 140162, MedGen C0027672, MeSH D009386, MONDO:0015356.

Submissions (2):

All of Us Research Program, National Institutes of Health
Classification: Uncertain significance for Classic or attenuated familial adenomatous polyposis. Last evaluated: 2024-07-10. Review status: criteria provided, single submitter. Criteria: ACMG Guidelines, 2015. Collection method: clinical testing. Allele origin: germline. Inheritance: Autosomal dominant inheritance. Observed: 1 variant allele, 1 heterozygote.
Comment: This missense variant replaces lysine with glutamine at codon 738 of the APC protein. Computational prediction suggests that this variant may not impact protein structure and function (internally defined REVEL score threshold <= 0.5, PMID: 27666373). To our knowledge, functional studies have not been reported for this variant. This variant has not been reported in individuals affected with APC-related disorders in the literature. This variant has not been identified in the general population by the Genome Aggregation Database (gnomAD). The available evidence is insufficient to determine the role of this variant in disease conclusively. Therefore, this variant is classified as a Variant of Uncertain Significance.

This study involves interpretation of variants in research participants for the purpose of population health screening. Participant phenotype was not available at the time of variant classification. Additional details can be found in publication PMID: 35346344, PMCID: PMC8962531

Ambry Genetics
Classification: Uncertain significance for Hereditary cancer-predisposing syndrome. Last evaluated: 2023-08-13. Review status: criteria provided, single submitter. Criteria: Ambry Variant Classification Scheme 2023. Collection method: clinical testing. Allele origin: germline.
Comment: The p.K738Q variant (also known as c.2212A>C), located in coding exon 15 of the APC gene, results from an A to C substitution at nucleotide position 2212. The lysine at codon 738 is replaced by glutamine, an amino acid with similar properties. This amino acid position is conserved. In addition, in silico predictors for this gene do not accurately predict pathogenicity. Since supporting evidence is limited at this time, the clinical significance of this alteration remains unclear.

NM_000038.6(APC):c.2212A>C (p.Lys738Gln)

Gene: APC (APC regulator of Wnt signaling pathway; plus strand). Cytogenetic location: 5q22.2.
Variant type: single nucleotide variant.
Coding change: c.2212A>C on transcript NM_000038.6 (MANE Select); coding-DNA position 2212, A replaced by C.
Protein change: p.Lys738Gln; replaces lysine 738 with glutamine.
Molecular consequence: missense variant. On other transcripts: non-coding transcript variant (2).
Genome position (GRCh38, 1-based): chr5:112,837,806, A>C. VCF-style: chr5-112837806-A-C. GRCh37 (hg19) VCF-style: chr5-112173503-A-C.
Other names: c.2212A>C, p.Lys738Gln (NM_001127510.3, NM_001354895.2, NM_001407450.1); c.2158A>C, p.Lys720Gln (NM_001127511.3); c.2266A>C, p.Lys756Gln (NM_001354896.2, NM_001407447.1, NM_001407448.1 and 1 more transcripts); c.2242A>C, p.Lys748Gln (NM_001354897.2); c.2137A>C, p.Lys713Gln (NM_001354898.2); c.2128A>C, p.Lys710Gln (NM_001354899.2); c.2089A>C, p.Lys697Gln (NM_001354900.2); c.2035A>C, p.Lys679Gln (NM_001354901.2, NM_001407453.1); and 11 more; short protein forms K455Q, K612Q, K637Q, K697Q, K720Q, K766Q, K738Q, K578Q.
Identifiers: ClinVar variation 2624857 (VCV002624857.3), dbSNP rs2149863411, ClinGen allele CA16026177.